The following is an entry in ClinVar:

ClinVar aggregate classification (germline): Likely benign (1 of 4 stars; one submission).

Submission:

GeneDx
Classification: Likely benign. Last evaluated: 2016-05-04. Review status: criteria provided, single submitter. Criteria: GeneDx Variant Classification (06012015). Collection method: clinical testing. Allele origin: germline. Affected: yes.
Comment: This variant is considered likely benign or benign based on one or more of the following criteria: it is a conservative change, it occurs at a poorly conserved position in the protein, it is predicted to be benign by multiple in silico algorithms, and/or has population frequency not consistent with disease.

NM_001958.5(EEF1A2):c.1302C>A (p.Ala434=)

Gene: EEF1A2 (eukaryotic translation elongation factor 1 alpha 2; minus strand). Cytogenetic location: 20q13.33.
Variant type: single nucleotide variant.
Coding change: c.1302C>A on transcript NM_001958.5 (MANE Select); coding-DNA position 1302, C replaced by A.
Protein change: p.Ala434=; no amino-acid change (alanine 434 retained).
Molecular consequence: synonymous variant.
Genome position (GRCh38, 1-based): chr20:63,488,388, G>T on the plus strand (C>A on the coding strand, the complement: EEF1A2 is on the minus strand). VCF-style: chr20-63488388-G-T. GRCh37 (hg19) VCF-style: chr20-62119741-G-T.
Identifiers: ClinVar variation 385722 (VCV000385722.1), dbSNP rs1057522311, ClinGen allele CA16609054.